The following is an entry in ClinVar:

ClinVar aggregate classification (germline): Uncertain significance (1 of 4 stars; one submission).

gnomAD v4.1: 1 of 1,614,170 alleles (0.000062%); highest among the groups gnomAD compares: Non-Finnish European, 0.000085%; no homozygotes.

Submission:

Women's Health and Genetics/Laboratory Corporation of America, LabCorp
Classification: Uncertain significance. Last evaluated: 2024-06-05. Review status: criteria provided, single submitter. Criteria: LabCorp Variant Classification Summary - May 2015. Collection method: clinical testing. Allele origin: germline.
Comment: Variant summary: CAPN3 c.238T>C (p.Phe80Leu) results in a non-conservative amino acid change in the encoded protein sequence. Five of five in-silico tools predict a damaging effect of the variant on protein function. The variant was absent in 249464 control chromosomes. The available data on variant occurrences in the general population are insufficient to allow any conclusion about variant significance. To our knowledge, no occurrence of c.238T>C in individuals affected with Limb-Girdle Muscular Dystrophy, Autosomal Recessive and no experimental evidence demonstrating its impact on protein function have been reported. No submitters have cited clinical-significance assessments for this variant to ClinVar. Based on the evidence outlined above, the variant was classified as uncertain significance.

NM_000070.3(CAPN3):c.238T>C (p.Phe80Leu)

Gene: CAPN3 (calpain 3; plus strand). Cytogenetic location: 15q15.1.
Variant type: single nucleotide variant.
Coding change: c.238T>C on transcript NM_000070.3 (MANE Select); coding-DNA position 238, T replaced by C.
Protein change: p.Phe80Leu; replaces phenylalanine 80 with leucine.
Molecular consequence: missense variant.
Genome position (GRCh38, 1-based): chr15:42,360,043, T>C. VCF-style: chr15-42360043-T-C. GRCh37 (hg19) VCF-style: chr15-42652241-T-C.
Other names: c.238T>C, p.Phe80Leu (NM_024344.2, NM_173087.2); short protein forms F80L.
Identifiers: ClinVar variation 3339739 (VCV003339739.1).